The following is an entry in ClinVar:

NM_000062.3(SERPING1):c.538C>T (p.Gln180Ter)

Gene: SERPING1 (serpin family G member 1; plus strand). Cytogenetic location: 11q12.1.
Variant type: single nucleotide variant.
Coding change: c.538C>T on transcript NM_000062.3 (MANE Select); coding-DNA position 538, C replaced by T.
Protein change: p.Gln180Ter; replaces glutamine 180 with a stop codon.
Molecular consequence: nonsense.
Genome position (GRCh38, 1-based): chr11:57,600,365, C>T. VCF-style: chr11-57600365-C-T. GRCh37 (hg19) VCF-style: chr11-57367838-C-T.
Other names: c.538C>T, p.Gln180Ter (NM_001032295.2); short protein forms Q180*.
Identifiers: ClinVar variation 1299745 (VCV001299745.3), dbSNP rs2135308831, ClinGen allele CA380695663.
Genomic context (GRCh38, chr11:57,600,365, plus strand): 5'-ATGAAGAAGGTGGAGACCAACATGGCCTTTTCCCCATTCAGCATCGCCAGCCTCCTTACC[C>T]AGGTCCTGCTCGGTAAGACCCTGCTTGAATTCTCTCCAGGTCATTTGTTGGACACTCCCA-3'

ClinVar aggregate classification (germline): Pathogenic. Review status: criteria provided, single submitter (1 of 4 stars). 2 submissions from 2 submitters: Pathogenic (1). 1 of the submissions does not count toward it. Last evaluated 2024-07-07.

Conditions:
Hereditary angioedema type 1 (HAE1). Identifiers: Orphanet 100050, Orphanet 100051, Orphanet 91378, MedGen C2717906, MONDO:0015053, OMIM 106100.
Hereditary angioedema with C1Inh deficiency. Identifiers: Orphanet 528623, MedGen C4552294, MONDO:0033946.

Submissions (2):

DNA-diagnostics Laboratory, Research Centre For Medical Genetics
Classification: Pathogenic for Hereditary angioedema type 1. Last evaluated: 2024-07-07. Review status: criteria provided, single submitter. Criteria: ACMG Guidelines, 2015. Collection method: research. Allele origin: germline. Inheritance: Autosomal dominant inheritance. Affected: yes. Observed: 1 variant allele, 1 heterozygote.
Comment: According to the published information of Xu et all, 2020, the c.538C>T variant in SERPING1 meets ACMG/ClinGen SVI guidance criteria to be classified as pathogenic: PVS1, PM2_Sup, PP4

Peking Union Medical College Hospital
Classification: Likely pathogenic for Hereditary angioedema with C1Inh deficiency. Last evaluated: 2021-09-25. Review status: no assertion criteria provided. Collection method: research. Allele origin: unknown. Affected: yes. Not counted in ClinVar's aggregate classification.

Literature cited by the submitters: PubMed 33292549 (cited by DNA-diagnostics Laboratory, Research Centre For Medical Genetics).